The following is an entry in ClinVar:

NM_017739.4(POMGNT1):c.458C>G (p.Ser153Ter)

Genes: POMGNT1 (protein O-linked mannose N-acetylglucosaminyltransferase 1 (beta 1,2-); minus strand), TSPAN1 (tetraspanin 1; plus strand). Cytogenetic location: 1p34.1.
Variant type: single nucleotide variant.
Coding change: c.458C>G on transcript NM_017739.4 (MANE Select); coding-DNA position 458, C replaced by G.
Protein change: p.Ser153Ter; replaces serine 153 with a stop codon.
Molecular consequence: nonsense.
Genome position (GRCh38, 1-based): chr1:46,195,887, G>C on the plus strand (C>G on the coding strand, the complement: POMGNT1 is on the minus strand). VCF-style: chr1-46195887-G-C. GRCh37 (hg19) VCF-style: chr1-46661559-G-C.
Other names: c.458C>G, p.Ser153Ter (NM_001243766.2, NM_001410783.1); c.392C>G, p.Ser131Ter (NM_001290129.3); c.29C>G, p.Ser10Ter (NM_001290130.2); short protein forms S153*, S10*, S131*.
Identifiers: ClinVar variation 551169 (VCV000551169.11), dbSNP rs1048865247, ClinGen allele CA21917575.

ClinVar aggregate classification (germline): Pathogenic. Review status: criteria provided, multiple submitters, no conflicts (2 of 4 stars). 3 submissions from 3 submitters: Pathogenic (2). 1 of the submissions does not count toward it. Last evaluated 2022-07-21.

Conditions:
Muscular dystrophy-dystroglycanopathy (congenital with brain and eye anomalies), type A3. Also called: Congenital muscular dystrophy-dystroglycanopathy with brain and eye anomalies, type A3; Muscular dystrophy-dystroglycanopathy (congenital with brain and eye anomalies), type A, 3; WALKER-WARBURG SYNDROME OR MUSCLE-EYE-BRAIN DISEASE, POMGNT1-RELATED. Identifiers: MedGen C3151519, MONDO:0009667, OMIM 253280.
Muscular dystrophy-dystroglycanopathy (congenital with impaired intellectual development), type B, 3. Also called: Muscular dystrophy-dystroglycanopathy (congenital with intellectual disability), type B3; MUSCULAR DYSTROPHY, CONGENITAL, POMGNT1-RELATED. Identifiers: MedGen C3150412, MONDO:0013155, OMIM 613151.
Autosomal recessive limb-girdle muscular dystrophy type 2O. Also called: Limb-Girdle Muscular Dystrophy Type 3C; MUSCULAR DYSTROPHY-DYSTROGLYCANOPATHY (LIMB-GIRDLE), TYPE C, 3; MUSCULAR DYSTROPHY-DYSTROGLYCANOPATHY, LIMB-GIRDLE, POMGNT1-RELATED. Identifiers: Orphanet 206564, MedGen C3150417, MONDO:0013161, OMIM 613157.

Allele frequency attached by ClinVar (database versions not stated): gnomAD 0.00001; TOPMed below 0.00001.
gnomAD v4.1: 6 of 1,613,572 alleles (0.00037%); highest among the groups gnomAD compares: Admixed American, 0.0017%; no homozygotes.

Submissions (3):

Baylor Genetics
Classification: Pathogenic for Muscular dystrophy-dystroglycanopathy (congenital with brain and eye anomalies), type A3. Last evaluated: 2022-07-21. Review status: criteria provided, single submitter. Criteria: ACMG Guidelines, 2015. Collection method: clinical testing. Allele origin: unknown.

Labcorp Genetics (formerly Invitae), Labcorp
Classification: Pathogenic for Autosomal recessive limb-girdle muscular dystrophy type 2O; Muscular dystrophy-dystroglycanopathy (congenital with impaired intellectual development), type B, 3. Last evaluated: 2022-07-06. Review status: criteria provided, single submitter. Criteria: Invitae Variant Classification Sherloc (09022015). Collection method: clinical testing. Allele origin: germline.
Comment: This premature translational stop signal has been observed in individual(s) with POMGNT1-related conditions (PMID: 20816175, 22323514). For these reasons, this variant has been classified as Pathogenic. ClinVar contains an entry for this variant (Variation ID: 551169). This variant is not present in population databases (gnomAD no frequency). This sequence change creates a premature translational stop signal (p.Ser153*) in the POMGNT1 gene. It is expected to result in an absent or disrupted protein product. Loss-of-function variants in POMGNT1 are known to be pathogenic (PMID: 19299310, 20816175, 21447391, 26908613, 27391550).

Counsyl
Classification: Pathogenic for Muscular dystrophy-dystroglycanopathy (congenital with brain and eye anomalies), type A3. Last evaluated: 2017-05-02. Review status: no assertion criteria provided. Collection method: clinical testing. Allele origin: unknown. Not counted in ClinVar's aggregate classification.

Literature cited by the submitters: PubMed 20816175 (cited by Labcorp Genetics (formerly Invitae), Labcorp); PubMed 22323514 (cited by Labcorp Genetics (formerly Invitae), Labcorp and Counsyl); PubMed 19299310 (cited by Labcorp Genetics (formerly Invitae), Labcorp); PubMed 21447391 (cited by Labcorp Genetics (formerly Invitae), Labcorp); PubMed 26908613 (cited by Labcorp Genetics (formerly Invitae), Labcorp); PubMed 27391550 (cited by Labcorp Genetics (formerly Invitae), Labcorp).